The following is an entry in ClinVar:

ClinVar aggregate classification (germline): Benign (0 of 4 stars; one submission).

Conditions:
UBR4-related disorder. Also called: UBR4-related condition.

Allele frequency attached by ClinVar (database versions not stated): gnomAD exomes 0.01386; ExAC 0.04017; gnomAD 0.08207; ESP Exome Variant Server 0.08919; TOPMed 0.09434; 1000 Genomes Project 0.10623; 1000 Genomes Project 30x 0.10853.
gnomAD v4.1: 33,367 of 1,613,978 alleles (2.1%); highest among the groups gnomAD compares: African/African-American, 27%; 3,069 homozygotes.

Submission:

PreventionGenetics, part of Exact Sciences
Classification: Benign for UBR4-related condition. Last evaluated: 2019-11-06. Review status: no assertion criteria provided. Collection method: clinical testing. Allele origin: germline.
Comment: This variant is classified as benign based on ACMG/AMP sequence variant interpretation guidelines (Richards et al. 2015 PMID: 25741868, with internal and published modifications).

NM_020765.3(UBR4):c.7959T>C (p.Ile2653=)

Gene: UBR4 (ubiquitin protein ligase E3 component n-recognin 4; minus strand). Cytogenetic location: 1p36.13.
Variant type: single nucleotide variant.
Coding change: c.7959T>C on transcript NM_020765.3 (MANE Select); coding-DNA position 7959, T replaced by C.
Protein change: p.Ile2653=; no amino-acid change (isoleucine 2653 retained).
Molecular consequence: synonymous variant.
Genome position (GRCh38, 1-based): chr1:19,144,894, A>G on the plus strand (T>C on the coding strand, the complement: UBR4 is on the minus strand). VCF-style: chr1-19144894-A-G. GRCh37 (hg19) VCF-style: chr1-19471388-A-G.
Identifiers: ClinVar variation 3037945 (VCV003037945.2), dbSNP rs2274000, ClinGen allele CA649873.
Genomic context (GRCh38, chr1:19,144,894, plus strand): 5'-ATCCAGCTCACAGGTACAGTAGCCATGGATGATGTCCACCAGAGCATTGACAGTAGCTTC[A>G]ATATGAGTTAGTCCTAAAGGAGAGACAAACATTATTTGAAAATCTGGAGGAAAAAACTCT-3'
Protein context (NP_065816.2, residues 2643-2663): APACLPGLTH[Ile2653=]EATVNALVDI